The following is an entry in ClinVar:

ClinVar aggregate classification (germline): Pathogenic (1 of 4 stars; one submission).

Conditions:
Familial hemophagocytic lymphohistiocytosis 2 (FHL2). Also called: PRF1-Related Familial Hemophagocytic Lymphohistiocytosis (PRF1-fHLH). Identifiers: Orphanet 540, MedGen C1863727, MONDO:0011337, OMIM 603553.

Submission:

Labcorp Genetics (formerly Invitae), Labcorp
Classification: Pathogenic for Familial hemophagocytic lymphohistiocytosis 2. Last evaluated: 2020-02-27. Review status: criteria provided, single submitter. Criteria: Invitae Variant Classification Sherloc (09022015). Collection method: clinical testing. Allele origin: germline.
Comment: This variant is not present in population databases (ExAC no frequency). For these reasons, this variant has been classified as Pathogenic. This variant disrupts the C-terminus of the PRF1 protein. Other variant(s) that disrupt this region (p.C497*) have been determined to be pathogenic (PMID: 11841437). This suggests that variants that disrupt this region of the protein are likely to be causative of disease. This variant has not been reported in the literature in individuals with PRF1-related conditions. This sequence change results in a premature translational stop signal in the PRF1 gene (p.His163Thrfs*96). While this is not anticipated to result in nonsense mediated decay, it is expected to disrupt the last 393 amino acids of the PRF1 protein.

Literature cited by the submitters: PubMed 11841437.

NM_001083116.3(PRF1):c.487del (p.His163fs)

Gene: PRF1 (perforin 1; minus strand). Cytogenetic location: 10q22.1.
Variant type: Deletion.
Coding change: c.487del on transcript NM_001083116.3 (MANE Select); coding-DNA position 487, one base deleted (C; older notation c.487delC).
Protein change: p.His163fs; shifts the reading frame from histidine 163.
Molecular consequence: frameshift variant.
Genome position (GRCh38, 1-based): chr10:70,600,416, G deleted on the plus strand (C on the coding strand, the reverse complement: PRF1 is on the minus strand); the first of 3 consecutive G bases (chr10:70,600,416-70,600,418); deleting any one gives the same sequence. VCF-style (leftmost placement, unchanged base first): chr10-70600415-TG-T. GRCh37 (hg19) VCF-style: chr10-72360171-TG-T.
Other names: c.487del, p.His163fs (NM_005041.6); short protein forms H163fs.
Identifiers: ClinVar variation 848608 (VCV000848608.9), dbSNP rs1848204643, ClinGen allele CA916082333.
Genomic context (GRCh38, chr10:70,600,415, plus strand): 5'-AGCTCTCACCTGTAGAAGCGGCACTCCACCGTGTCAGTGCTGAAGCTGTACTGGTCCTGG[TG>T]GGTCTTCTGGGCTGCAAAGTTGGCTGCCTGTGAGTGTGAGCCGGCCACAGACACATGCAC-3'